The following is an entry in ClinVar:

ClinVar aggregate classification (germline): Uncertain significance. Review status: criteria provided, multiple submitters, no conflicts (2 of 4 stars). 2 submissions from 2 submitters: Uncertain significance (2). Last evaluated 2021-09-01.

Conditions:
Familial hemophagocytic lymphohistiocytosis 2 (FHL2). Also called: PRF1-Related Familial Hemophagocytic Lymphohistiocytosis (PRF1-fHLH). Identifiers: Orphanet 540, MedGen C1863727, MONDO:0011337, OMIM 603553.

Submissions (2):

Labcorp Genetics (formerly Invitae), Labcorp
Classification: Uncertain significance for Familial hemophagocytic lymphohistiocytosis 2. Last evaluated: 2021-09-01. Review status: criteria provided, single submitter. Criteria: Invitae Variant Classification Sherloc (09022015). Collection method: clinical testing. Allele origin: germline.
Comment: This sequence change replaces proline with threonine at codon 477 of the PRF1 protein (p.Pro477Thr). The proline residue is moderately conserved and there is a small physicochemical difference between proline and threonine. This variant is not present in population databases (ExAC no frequency). This variant has not been reported in the literature in individuals affected with PRF1-related conditions. Algorithms developed to predict the effect of missense changes on protein structure and function (SIFT, PolyPhen-2, Align-GVGD) all suggest that this variant is likely to be tolerated. In summary, the available evidence is currently insufficient to determine the role of this variant in disease. Therefore, it has been classified as a Variant of Uncertain Significance.

Breakthrough Genomics
Classification: Uncertain significance. Review status: criteria provided, single submitter. Criteria: ACMG Guidelines, 2015. Collection method: not provided. Allele origin: germline. Inheritance: Autosomal recessive inheritance. Affected: yes.

NM_001083116.3(PRF1):c.1429C>A (p.Pro477Thr)

Gene: PRF1 (perforin 1; minus strand). Cytogenetic location: 10q22.1.
Variant type: single nucleotide variant.
Coding change: c.1429C>A on transcript NM_001083116.3 (MANE Select); coding-DNA position 1429, C replaced by A.
Protein change: p.Pro477Thr; replaces proline 477 with threonine.
Molecular consequence: missense variant.
Genome position (GRCh38, 1-based): chr10:70,598,292, G>T on the plus strand (C>A on the coding strand, the complement: PRF1 is on the minus strand). VCF-style: chr10-70598292-G-T. GRCh37 (hg19) VCF-style: chr10-72358048-G-T.
Other names: c.1429C>A, p.Pro477Thr (NM_005041.6); short protein forms P477T.
Identifiers: ClinVar variation 944072 (VCV000944072.7), dbSNP rs1023934247, ClinGen allele CA376955607.